The following is an entry in ClinVar:

ClinVar aggregate classification (germline): Benign/Likely benign. Review status: criteria provided, multiple submitters, no conflicts (2 of 4 stars). 3 submissions from 3 submitters: Benign (1); Likely benign (2). Last evaluated 2026-10-01.

Conditions:
Hereditary spastic paraplegia 7 (SPG7). Also called: Spastic paraplegia 7; Hereditary spastic paraplegia Paraplegin type; Autosomal recessive spastic paraplegia type 7; SPASTIC PARAPLEGIA 7, AUTOSOMAL RECESSIVE, WITH OR WITHOUT CEREBELLAR ATAXIA; SPG7-related neurologic disorder. Identifiers: Orphanet 99013, MedGen C1846564, MONDO:0011803, OMIM 607259.

Allele frequency attached by ClinVar (database versions not stated): gnomAD 0.00003; ESP Exome Variant Server 0.00008; TOPMed 0.00008; gnomAD exomes 0.00009; ExAC 0.00021.
gnomAD v4.1: 137 of 1,613,950 alleles (0.0085%); highest among the groups gnomAD compares: South Asian, 0.079%; 2 homozygotes.

Submissions (3):

CeGaT Center for Human Genetics Tuebingen
Classification: Likely benign. Last evaluated: 2026-10-01. Review status: criteria provided, single submitter. Criteria: CeGaT Center For Human Genetics Tuebingen Variant Classification Criteria Version 2. Collection method: clinical testing. Allele origin: germline. Affected: yes. Observed: 1 variant allele.
Comment: SPG7: BP4, BP7

Blueprint Genetics
Classification: Likely benign. Last evaluated: 2023-07-21. Review status: criteria provided, single submitter. Criteria: ACMG Guidelines, 2015. Collection method: clinical testing. Allele origin: germline.

Labcorp Genetics (formerly Invitae), Labcorp
Classification: Benign for Hereditary spastic paraplegia 7. Last evaluated: 2023-05-09. Review status: criteria provided, single submitter. Criteria: Invitae Variant Classification Sherloc (09022015). Collection method: clinical testing. Allele origin: germline.

NM_003119.4(SPG7):c.1365G>A (p.Thr455=)

Gene: SPG7 (SPG7 matrix AAA peptidase subunit, paraplegin; plus strand). Cytogenetic location: 16q24.3.
Variant type: single nucleotide variant.
Coding change: c.1365G>A on transcript NM_003119.4 (MANE Select); coding-DNA position 1365, G replaced by A.
Protein change: p.Thr455=; no amino-acid change (threonine 455 retained).
Molecular consequence: synonymous variant.
Genome position (GRCh38, 1-based): chr16:89,544,688, G>A. VCF-style: chr16-89544688-G-A. GRCh37 (hg19) VCF-style: chr16-89611096-G-A.
Other names: c.1365G>A, p.Thr455= (NM_001363850.1).
Identifiers: ClinVar variation 2187849 (VCV002187849.6), dbSNP rs143115910, ClinGen allele CA8244157.